The following is an entry in ClinVar:

NM_170606.3(KMT2C):c.11269_11270del (p.Gln3757fs)

Gene: KMT2C (lysine methyltransferase 2C; minus strand). Cytogenetic location: 7q36.1.
Variant type: Microsatellite.
Coding change: c.11269_11270del on transcript NM_170606.3 (MANE Select); coding-DNA positions 11269 to 11270, 2 bases deleted (CA; older notation c.11269_11270delCA).
Protein change: p.Gln3757fs; shifts the reading frame from glutamine 3757.
Molecular consequence: frameshift variant.
Genome position (GRCh38, 1-based): chr7:152,162,307-152,162,308, TG deleted on the plus strand (CA on the coding strand, the reverse complement: KMT2C is on the minus strand); deleting any 2 consecutive bases within chr7:152,162,307-152,162,310 gives the same sequence; the c. name uses the placement nearest the transcript's 3' end. VCF-style (leftmost placement, unchanged base first): chr7-152162306-CTG-C. GRCh37 (hg19) VCF-style: chr7-151859391-CTG-C.
Other names: short protein forms Q3757fs.
Identifiers: ClinVar variation 2444087 (VCV002444087.1), dbSNP rs2487684914, ClinGen allele CA2580614292.
Genomic context (GRCh38, chr7:152,162,306, plus strand): 5'-CAGAAGTTCATTCCCTGAGTCTCCTTTGGCAGCAGGGGCCCCAGCAGAATGGGGAGGACT[CTG>C]TGCTGAGGAGACAGGACAGGCTACAGCGTTTCCTTCTACCTTACTACCATTCTGTTCCTC-3'

ClinVar aggregate classification (germline): Likely pathogenic (1 of 4 stars; one submission).

Conditions:
Kleefstra syndrome 2 (KLEFS2). Identifiers: MedGen C4540395, MONDO:0054701, OMIM 617768.

Submission:

3billion
Classification: Likely pathogenic for Kleefstra syndrome 2. Last evaluated: 2023-02-23. Review status: criteria provided, single submitter. Criteria: ACMG Guidelines, 2015. Collection method: clinical testing. Allele origin: unknown. Affected: yes.
Comment: The variant is not observed in the gnomAD v2.1.1 dataset. This variant was predicted to result in a loss or disruption of normal protein function through nonsense-mediated decay (NMD) or protein truncation. Multiple pathogenic variants are reported downstream of the variant. Therefore, this variant is classified as Likely pathogenic according to the recommendation of ACMG/AMP guideline.